The following is an entry in ClinVar:

NM_000540.3(RYR1):c.40C>T (p.Arg14Trp)

Gene: RYR1 (ryanodine receptor 1; plus strand). Cytogenetic location: 19q13.2.
Variant type: single nucleotide variant.
Coding change: c.40C>T on transcript NM_000540.3 (MANE Select); coding-DNA position 40, C replaced by T.
Protein change: p.Arg14Trp; replaces arginine 14 with tryptophan.
Molecular consequence: missense variant.
Genome position (GRCh38, 1-based): chr19:38,433,869, C>T. VCF-style: chr19-38433869-C-T. GRCh37 (hg19) VCF-style: chr19-38924509-C-T.
Other names: c.40C>T, p.Arg14Trp (NM_001042723.2); short protein forms R14W.
Identifiers: ClinVar variation 2435569 (VCV002435569.6), dbSNP rs200665559, ClinGen allele CA065548.

ClinVar aggregate classification (germline): Uncertain significance. Review status: criteria provided, multiple submitters, no conflicts (2 of 4 stars). 3 submissions from 3 submitters: Uncertain significance (3). Last evaluated 2024-05-14.

Conditions:
Malignant hyperthermia, susceptibility to, 1 (MHS1). Also called: Anesthesia related hyperthermia; Malignant hyperpyrexia; Fulminating hyperpyrexia; Pharmacogenic myopathy; Malignant hyperthermia suceptibility 1; RYR1-Related Malignant Hyperthermia Susceptibility. Identifiers: Orphanet 423, MedGen C2930980, MONDO:0007783, OMIM 145600.

Allele frequency attached by ClinVar (database versions not stated): ExAC 0.00001; 1000 Genomes Project 30x 0.00016; 1000 Genomes Project 0.00020.
gnomAD v4.1: 4 of 1,613,156 alleles (0.00025%); highest among the groups gnomAD compares: East Asian, 0.0022%; no homozygotes.

Submissions (3):

All of Us Research Program, National Institutes of Health
Classification: Uncertain significance for Malignant hyperthermia, susceptibility to, 1. Last evaluated: 2024-05-14. Review status: criteria provided, single submitter. Criteria: ACMG Guidelines, 2015. Collection method: clinical testing. Allele origin: germline. Inheritance: Autosomal dominant inheritance. Observed: 3 variant alleles, 3 heterozygotes.
Comment: This missense variant replaces arginine with tryptophan at codon 14 of the RYR1 protein. Computational prediction suggests that this variant may have deleterious impact on protein structure and function (internally defined REVEL score threshold >= 0.7, PMID: 27666373). To our knowledge, functional studies have not been reported for this variant. This variant has not been reported in individuals affected with RYR1-related disorders in the literature. This variant has been identified in 2/251484 chromosomes in the general population by the Genome Aggregation Database (gnomAD). The available evidence is insufficient to determine the role of this variant in disease conclusively. Therefore, this variant is classified as a Variant of Uncertain Significance.

This study involves interpretation of variants in research participants for the purpose of population health screening. Participant phenotype was not available at the time of variant classification. Additional details can be found in publication PMID: 35346344, PMCID: PMC8962531

Color Diagnostics, LLC DBA Color Health
Classification: Uncertain significance for Malignant hyperthermia, susceptibility to, 1. Last evaluated: 2024-02-02. Review status: criteria provided, single submitter. Criteria: ACMG Guidelines, 2015. Collection method: clinical testing. Allele origin: germline.
Comment: This missense variant replaces arginine with tryptophan at codon 14 of the RYR1 protein. Computational prediction suggests that this variant may have deleterious impact on protein structure and function. To our knowledge, functional studies have not been reported for this variant. This variant has not been reported in individuals affected with RYR1-related disorders in the literature. This variant has been identified in 2/251484 chromosomes in the general population by the Genome Aggregation Database (gnomAD). The available evidence is insufficient to determine the role of this variant in disease conclusively. Therefore, this variant is classified as a Variant of Uncertain Significance.

Revvity Omics, Revvity
Classification: Uncertain significance. Last evaluated: 2021-05-07. Review status: criteria provided, single submitter. Criteria: ACMG Guidelines, 2015. Collection method: clinical testing. Allele origin: germline.